The following is an entry in ClinVar:

NM_000021.4(PSEN1):c.868+16G>T

Gene: PSEN1 (presenilin 1; plus strand). Cytogenetic location: 14q24.2.
Variant type: single nucleotide variant.
Coding change: c.868+16G>T on transcript NM_000021.4 (MANE Select); 16 bases into the intron after coding-DNA position 868, G replaced by T.
Molecular consequence: intron variant.
Genome position (GRCh38, 1-based): chr14:73,198,145, G>T. VCF-style: chr14-73198145-G-T. GRCh37 (hg19) VCF-style: chr14-73664853-G-T.
Other names: c.856+16G>T (NM_007318.3).
Identifiers: ClinVar variation 254714 (VCV000254714.21), dbSNP rs165932, ClinGen allele CA7256838.

ClinVar aggregate classification (germline): Benign/Likely benign. Review status: criteria provided, multiple submitters, no conflicts (2 of 4 stars). 14 submissions from 10 submitters: Benign (9); Likely benign (1). 4 of the submissions do not count toward it. Last evaluated 2026-02-04.

Conditions:
Pick disease. Also called: LOBAR ATROPHY OF BRAIN; PICK DISEASE OF BRAIN; Pick's disease; Pick Disease of the Brain; DEMENTIA WITH LOBAR ATROPHY AND NEURONAL CYTOPLASMIC INCLUSIONS. Identifiers: Orphanet 282, MedGen C0236642, MONDO:0008243, OMIM 172700.
Frontotemporal dementia (FTD1). Also called: MULTIPLE SYSTEM TAUOPATHY WITH PRESENILE DEMENTIA; FRONTOTEMPORAL DEMENTIA WITH PARKINSONISM; FRONTOTEMPORAL LOBE DEMENTIA; WILHELMSEN-LYNCH DISEASE; FRONTOTEMPORAL LOBAR DEGENERATION WITH TAU INCLUSIONS; FTLD WITH TAU INCLUSIONS. Identifiers: Orphanet 282, MedGen C0338451, MONDO:0017276, OMIM 600274, HP:0002145.
Acne inversa, familial, 3 (ACNINV3). Identifiers: MedGen C3151038, MONDO:0013398, OMIM 613737.
Alzheimer disease 3 (AD3). Also called: ALZHEIMER DISEASE, FAMILIAL, 3. Identifiers: Orphanet 1020, MedGen C1843013, MONDO:0011913, OMIM 607822.
Dilated cardiomyopathy 1U. Identifiers: Orphanet 154, MedGen C3160720, MONDO:0013371, OMIM 613694.

Allele frequency attached by ClinVar (database versions not stated): ESP Exome Variant Server 0.61933; ExAC 0.62799; TOPMed 0.63416; 1000 Genomes Project 0.67153; 1000 Genomes Project 30x 0.67755; gnomAD exomes 0.57602 and 0.60910; gnomAD 0.61457 and 0.61930.
gnomAD v4.1: 839,093 of 1,444,742 alleles (58%); highest among the groups gnomAD compares: African/African-American, 74%; 246,941 homozygotes.

Submissions (14):

Labcorp Genetics (formerly Invitae), Labcorp
Classification: Benign for Alzheimer disease 3; Pick disease; Acne inversa, familial, 3; Frontotemporal dementia. Last evaluated: 2026-02-04. Review status: criteria provided, single submitter. Criteria: Invitae Variant Classification Sherloc (09022015). Collection method: clinical testing. Allele origin: germline.

Blueprint Genetics
Classification: Likely benign. Last evaluated: 2024-11-27. Review status: criteria provided, single submitter. Criteria: ACMG Guidelines, 2015. Collection method: clinical testing. Allele origin: germline.

Genome-Nilou Lab
Classification: Benign for Acne inversa, familial, 3. Last evaluated: 2021-10-25. Review status: criteria provided, single submitter. Criteria: ACMG Guidelines, 2015. Collection method: clinical testing. Allele origin: germline. Affected: no.

Genome-Nilou Lab
Classification: Benign for Alzheimer disease 3. Last evaluated: 2021-10-25. Review status: criteria provided, single submitter. Criteria: ACMG Guidelines, 2015. Collection method: clinical testing. Allele origin: germline. Affected: no.

Genome-Nilou Lab
Classification: Benign for Dilated cardiomyopathy 1U. Last evaluated: 2021-10-25. Review status: criteria provided, single submitter. Criteria: ACMG Guidelines, 2015. Collection method: clinical testing. Allele origin: germline. Affected: no.

Genome-Nilou Lab
Classification: Benign for Frontotemporal dementia. Last evaluated: 2021-10-25. Review status: criteria provided, single submitter. Criteria: ACMG Guidelines, 2015. Collection method: clinical testing. Allele origin: germline. Affected: no.

Genome-Nilou Lab
Classification: Benign for Pick disease. Last evaluated: 2021-10-25. Review status: criteria provided, single submitter. Criteria: ACMG Guidelines, 2015. Collection method: clinical testing. Allele origin: germline. Affected: no.

GeneDx
Classification: Benign. Last evaluated: 2018-09-16. Review status: criteria provided, single submitter. Criteria: GeneDx Variant Classification Process June 2021. Collection method: clinical testing. Allele origin: germline. Affected: yes.
Comment: This variant is associated with the following publications: (PMID: 18403054, 17719017, 8596269, 28554858)

Breakthrough Genomics
Classification: Benign. Review status: criteria provided, single submitter. Criteria: ACMG Guidelines, 2015. Collection method: not provided. Allele origin: germline. Inheritance: Autosomal dominant inheritance. Affected: yes.

PreventionGenetics, part of Exact Sciences
Classification: Benign. Review status: criteria provided, single submitter. Criteria: ACMG Guidelines, 2015. Collection method: clinical testing. Allele origin: germline.

Clinical Genetics DNA and cytogenetics Diagnostics Lab, Erasmus MC, Erasmus Medical Center
Classification: Benign. Review status: no assertion criteria provided. Collection method: clinical testing. Allele origin: germline. Affected: yes. Study: VKGL Data-share Consensus. Not counted in ClinVar's aggregate classification.

Clinical Genetics, Academic Medical Center
Classification: Benign. Review status: no assertion criteria provided. Collection method: clinical testing. Allele origin: germline. Affected: yes. Study: VKGL Data-share Consensus. Not counted in ClinVar's aggregate classification.

Diagnostic Laboratory, Department of Genetics, University Medical Center Groningen
Classification: Benign. Review status: no assertion criteria provided. Collection method: clinical testing. Allele origin: germline. Affected: yes. Study: VKGL Data-share Consensus. Not counted in ClinVar's aggregate classification.

Genome Diagnostics Laboratory, Amsterdam University Medical Center
Classification: Benign. Review status: no assertion criteria provided. Collection method: clinical testing. Allele origin: germline. Affected: yes. Study: VKGL Data-share Consensus. Not counted in ClinVar's aggregate classification.